The following is an entry in ClinVar:

ClinVar aggregate classification (germline): Uncertain significance. Review status: criteria provided, multiple submitters, no conflicts (2 of 4 stars). 5 submissions from 5 submitters: Uncertain significance (5). Last evaluated 2025-10-23.

Conditions:
POLE-related disorder. Also called: POLE-related disorders; POLE-related condition.
Hereditary cancer-predisposing syndrome. Also called: Hereditary neoplastic syndrome; Neoplastic Syndromes, Hereditary; Hereditary Cancer Syndrome; Tumor predisposition. Identifiers: Orphanet 140162, MedGen C0027672, MeSH D009386, MONDO:0015356.
Colorectal cancer, susceptibility to, 12 (CRCS12). Also called: COLORECTAL CANCER, SUSCEPTIBILITY TO, ON CHROMOSOME 12q24. Identifiers: Orphanet 220460, MedGen C3554460, MONDO:0014038, OMIM 615083.

Allele frequency attached by ClinVar (database versions not stated): gnomAD exomes 0.00001; ExAC 0.00002; ESP Exome Variant Server 0.00008; gnomAD 0.00002; TOPMed 0.00002.

Submissions (5):

Labcorp Genetics (formerly Invitae), Labcorp
Classification: Uncertain significance. Last evaluated: 2025-10-23. Review status: criteria provided, single submitter. Criteria: Invitae Variant Classification Sherloc (09022015). Collection method: clinical testing. Allele origin: germline.
Comment: This sequence change replaces serine, which is neutral and polar, with leucine, which is neutral and non-polar, at codon 117 of the POLE protein (p.Ser117Leu). This variant is present in population databases (rs372057971, gnomAD 0.01%). This variant has not been reported in the literature in individuals affected with POLE-related conditions. ClinVar contains an entry for this variant (Variation ID: 951725). Invitae Evidence Modeling of protein sequence and biophysical properties (such as structural, functional, and spatial information, amino acid conservation, physicochemical variation, residue mobility, and thermodynamic stability) indicates that this missense variant is not expected to disrupt POLE protein function with a negative predictive value of 80%. RNA analysis performed to evaluate the impact of this missense change on mRNA splicing indicates it does not significantly alter splicing (internal data). In summary, the available evidence is currently insufficient to determine the role of this variant in disease. Therefore, it has been classified as a Variant of Uncertain Significance.

Ambry Genetics
Classification: Uncertain significance for Hereditary cancer-predisposing syndrome. Last evaluated: 2025-02-05. Review status: criteria provided, single submitter. Criteria: Ambry Variant Classification Scheme 2023. Collection method: clinical testing. Allele origin: germline.
Comment: The p.S117L variant (also known as c.350C>T), located in coding exon 5 of the POLE gene, results from a C to T substitution at nucleotide position 350. The serine at codon 117 is replaced by leucine, an amino acid with dissimilar properties. This amino acid position is well conserved in available vertebrate species. In addition, this alteration is predicted to be tolerated by in silico analysis. Based on the available evidence, the clinical significance of this variant remains unclear.

GeneDx
Classification: Uncertain significance. Last evaluated: 2024-05-01. Review status: criteria provided, single submitter. Criteria: GeneDx Variant Classification Process June 2021. Collection method: clinical testing. Allele origin: germline.
Comment: Not observed at significant frequency in large population cohorts (gnomAD); Has not been previously published as pathogenic or benign to our knowledge; In silico analysis supports that this missense variant has a deleterious effect on protein structure/function; In silico analysis suggests this variant may impact gene splicing. In the absence of RNA/functional studies, the actual effect of this sequence change is unknown

St. Jude Molecular Pathology, St. Jude Children's Research Hospital
Classification: Uncertain significance for Colorectal cancer, susceptibility to, 12. Last evaluated: 2023-07-06. Review status: criteria provided, single submitter. Criteria: St. Jude Assertion Criteria 2020. Collection method: clinical testing. Allele origin: germline.
Comment: The POLE c.350C>T (p.Ser117Leu) missense change has a maximum subpopulation frequency of 0.012% in gnomAD v2.1.1. The in silico tool REVEL predicts a benign effect on protein function, but to our knowledge this prediction has not been confirmed by functional studies. This variant has been reported in 1 of 829 serous ovarian cancer cases and 0 of 913 controls (PMID: 32546565). To our knowledge, this variant has not been reported in the literature in individuals with POLE-related disease. In summary, the evidence currently available is insufficient to determine the clinical significance of this variant. It has therefore been classified as of uncertain significance.

PreventionGenetics, part of Exact Sciences
Classification: Uncertain significance for POLE-related condition. Last evaluated: 2023-02-20. Review status: criteria provided, single submitter. Criteria: ACMG Guidelines, 2015. Collection method: clinical testing. Allele origin: germline.
Comment: The POLE c.350C>T variant is predicted to result in the amino acid substitution p.Ser117Leu. To our knowledge, this variant has not been reported in the literature. This variant is reported in 0.012% of alleles in individuals of African descent in gnomAD. In ClinVar, this variant is interpreted as uncertain. At this time, the clinical significance of this variant is uncertain due to the absence of conclusive functional and genetic evidence.

NM_006231.4(POLE):c.350C>T (p.Ser117Leu)

Gene: POLE (DNA polymerase epsilon, catalytic subunit; minus strand). Cytogenetic location: 12q24.33.
Variant type: single nucleotide variant.
Coding change: c.350C>T on transcript NM_006231.4 (MANE Select); coding-DNA position 350, C replaced by T.
Protein change: p.Ser117Leu; replaces serine 117 with leucine.
Molecular consequence: missense variant.
Genome position (GRCh38, 1-based): chr12:132,680,027, G>A on the plus strand (C>T on the coding strand, the complement: POLE is on the minus strand). VCF-style: chr12-132680027-G-A. GRCh37 (hg19) VCF-style: chr12-133256613-G-A.
Other names: short protein forms S117L.
Identifiers: ClinVar variation 951725 (VCV000951725.13), dbSNP rs372057971, ClinGen allele CA6894343.